The following is an entry in ClinVar:

NM_001111125.3(IQSEC2):c.4419del (p.Ser1474fs)

Gene: IQSEC2 (IQ motif and Sec7 domain ArfGEF 2; minus strand). Cytogenetic location: Xp11.22.
Variant type: Deletion.
Coding change: c.4419del on transcript NM_001111125.3 (MANE Select); coding-DNA position 4419, one base deleted (C; older notation c.4419delC).
Protein change: p.Ser1474fs; shifts the reading frame from serine 1474.
Molecular consequence: frameshift variant. On other transcripts: 3 prime UTR variant (1).
Genome position (GRCh38, 1-based): chrX:53,234,267, G deleted on the plus strand (C on the coding strand, the reverse complement: IQSEC2 is on the minus strand); the first of 7 consecutive G bases (chrX:53,234,267-53,234,273); deleting any one gives the same sequence. VCF-style (leftmost placement, unchanged base first): chrX-53234266-TG-T. GRCh37 (hg19) VCF-style: chrX-53263448-TG-T.
Other names: c.*904del (NM_015075.2); c.4419del (NM_001111125.1); short protein forms S1474fs.
Identifiers: ClinVar variation 599453 (VCV000599453.7), dbSNP rs1569290954, ClinGen allele CA516672999.

ClinVar aggregate classification (germline): Pathogenic. Review status: criteria provided, multiple submitters, no conflicts (2 of 4 stars). 3 submissions from 3 submitters: Pathogenic (3). Last evaluated 2025-06-18.

Conditions:
Intellectual developmental disorder, X-linked 1. Also called: MENTAL RETARDATION, X-LINKED 18; MENTAL RETARDATION, X-LINKED 78; Atkin Flaitz Patil Smith syndrome; Intellectual disability, X-linked 1. Identifiers: Orphanet 777, MedGen C2931498, MONDO:0010656, OMIM 309530.

Submissions (3):

GeneDx
Classification: Pathogenic. Last evaluated: 2025-06-18. Review status: criteria provided, single submitter. Criteria: GeneDx Variant Classification Process June 2021. Collection method: clinical testing. Allele origin: germline. Affected: yes.
Comment: Frameshift variant predicted to result in abnormal protein length as the last 15 amino acid(s) are replaced with 20 different amino acid(s), and other similar variants have been reported in HGMD; This variant is associated with the following publications: (PMID: 31415821, 32371413)

Mendelics
Classification: Pathogenic for Intellectual developmental disorder, X-linked 1. Last evaluated: 2022-05-04. Review status: criteria provided, single submitter. Criteria: Mendelics Assertion Criteria 2019. Collection method: clinical testing. Allele origin: germline.

Institute for Genomic Medicine (IGM) Clinical Laboratory, Nationwide Children's Hospital
Classification: Pathogenic for Intellectual developmental disorder, X-linked 1. Last evaluated: 2018-02-15. Review status: criteria provided, single submitter. Criteria: ACMG Guidelines, 2015. Collection method: clinical testing. Allele origin: germline. Affected: yes.
Comment: PVS1, PS2; This variant introduces a single-base-pair deletion in the coding sequence of the IQSEC2 gene, which leads to a shift in the protein reading frame and introduces of a premature termination codon in a gene where loss of function is a known mechanism of disease [ACMG: PVS1]. Sanger sequencing confirmed this to be a de novo alteration, as it was not detected in the submitted parental specimens (identity confirmed)[ACMG: PS2]. No evidence was found to support any of the ACMG Benign criteria; therefore, this alteration meets ACMG guidelines for classification as a pathogenic variant.